The following is an entry in ClinVar:

NM_000051.4(ATM):c.4070del (p.Ser1357fs)

Gene: ATM (ATM serine/threonine kinase; plus strand). Cytogenetic location: 11q22.3.
Variant type: Deletion.
Coding change: c.4070del on transcript NM_000051.4 (MANE Select); coding-DNA position 4070, one base deleted (C; older notation c.4070delC).
Protein change: p.Ser1357fs; shifts the reading frame from serine 1357.
Molecular consequence: frameshift variant.
Genome position (GRCh38, 1-based): chr11:108,287,676, C deleted. VCF-style (leftmost placement, unchanged base first): chr11-108287675-TC-T. GRCh37 (hg19) VCF-style: chr11-108158402-TC-T.
Other names: c.4070del, p.Ser1357fs (NM_001351834.2); short protein forms S1357fs.
Identifiers: ClinVar variation 3254396 (VCV003254396.1), dbSNP rs2546898545.

ClinVar aggregate classification (germline): Pathogenic (1 of 4 stars; one submission).

Conditions:
Familial cancer of breast. Also called: BREAST CANCER, FAMILIAL; Hereditary breast cancer; hereditary breast carcinoma. Identifiers: Orphanet 227535, MedGen C0346153, MONDO:0016419, OMIM 114480. Disease mechanism: loss of function.

Submission:

Myriad Genetics, Inc.
Classification: Pathogenic for Familial cancer of breast. Last evaluated: 2024-05-30. Review status: criteria provided, single submitter. Criteria: Myriad Autosomal Dominant, Autosomal Recessive and X-Linked Classification Criteria (2023). Collection method: clinical testing. Allele origin: unknown.
Comment: This variant is considered pathogenic. This variant creates a frameshift predicted to result in premature protein truncation.